The following is an entry in ClinVar:

ClinVar aggregate classification (germline): Uncertain significance (1 of 4 stars; one submission).

Submission:

Labcorp Genetics (formerly Invitae), Labcorp
Classification: Uncertain significance. Last evaluated: 2025-04-17. Review status: criteria provided, single submitter. Criteria: Invitae Variant Classification Sherloc (09022015). Collection method: clinical testing. Allele origin: germline.
Comment: This sequence change creates a premature translational stop signal (p.Leu13Serfs*11) in the GUCY2C gene. It is expected to result in an absent or disrupted protein product. However, the current clinical and genetic evidence is not sufficient to establish whether loss-of-function variants in GUCY2C cause disease. This variant is present in population databases (no rsID available, gnomAD 0.006%). This variant has not been reported in the literature in individuals affected with GUCY2C-related conditions. ClinVar contains an entry for this variant (Variation ID: 3012536). In summary, the available evidence is currently insufficient to determine the role of this variant in disease. Therefore, it has been classified as a Variant of Uncertain Significance.

NM_004963.4(GUCY2C):c.36_45del (p.Leu13fs)

Genes: GUCY2C (guanylate cyclase 2C; minus strand), GUCY2C-AS1 (GUCY2C antisense RNA 1; plus strand). Cytogenetic location: 12p12.3.
Variant type: Deletion.
Coding change: c.36_45del on transcript NM_004963.4 (MANE Select); coding-DNA positions 36 to 45, 10 bases deleted (ACTGCTCTTC; older notation c.36_45delACTGCTCTTC).
Protein change: p.Leu13fs; shifts the reading frame from leucine 13.
Molecular consequence: frameshift variant.
Genome position (GRCh38, 1-based): chr12:14,696,404-14,696,413, GAAGAGCAGT deleted on the plus strand (ACTGCTCTTC on the coding strand, the reverse complement: GUCY2C is on the minus strand); deleting any 10 consecutive bases within chr12:14,696,404-14,696,415 gives the same sequence; the c. name uses the placement nearest the transcript's 3' end. VCF-style (leftmost placement, unchanged base first): chr12-14696403-GGAAGAGCAGT-G. GRCh37 (hg19) VCF-style: chr12-14849337-GGAAGAGCAGT-G.
Other names: short protein forms L13fs.
Identifiers: ClinVar variation 3012536 (VCV003012536.2), dbSNP rs1398355681, ClinGen allele CA603609871.
Genomic context (GRCh38, chr12:14,696,403, plus strand): 5'-CATAGCTGCCATTGTGGCAGTTCTGACTCACCTGGGAACTAAAGGACAGCCACCCGGGCT[GGAAGAGCAGT>G]GACCACAAAGCCAAGTCCAACAGCAACGTCTTCATGACCCCAATCACGTTAGAACCATAC-3'